The following is an entry in ClinVar:

NM_032043.3(BRIP1):c.2024A>C (p.Glu675Ala)

Gene: BRIP1 (BRCA1 interacting DNA helicase 1; minus strand). Cytogenetic location: 17q23.2.
Variant type: single nucleotide variant.
Coding change: c.2024A>C on transcript NM_032043.3 (MANE Select); coding-DNA position 2024, A replaced by C.
Protein change: p.Glu675Ala; replaces glutamic acid 675 with alanine.
Molecular consequence: missense variant.
Genome position (GRCh38, 1-based): chr17:61,776,474, T>G on the plus strand (A>C on the coding strand, the complement: BRIP1 is on the minus strand). VCF-style: chr17-61776474-T-G. GRCh37 (hg19) VCF-style: chr17-59853835-T-G.
Other names: short protein forms E675A.
Identifiers: ClinVar variation 481653 (VCV000481653.16), dbSNP rs1555601081, ClinGen allele CA400478292.

ClinVar aggregate classification (germline): Uncertain significance. Review status: criteria provided, multiple submitters, no conflicts (2 of 4 stars). 4 submissions from 4 submitters: Uncertain significance (3). 1 of the submissions does not count toward it. Last evaluated 2025-05-14.

Conditions:
Hereditary cancer-predisposing syndrome. Also called: Hereditary neoplastic syndrome; Neoplastic Syndromes, Hereditary; Tumor predisposition; Hereditary Cancer Syndrome. Identifiers: Orphanet 140162, MedGen C0027672, MeSH D009386, MONDO:0015356.
Fanconi anemia complementation group J. Also called: BRIP1-Related Fanconi Anemia. Identifiers: Orphanet 84, MedGen C1836860, MONDO:0012187, OMIM 609054.
Familial cancer of breast. Also called: BREAST CANCER, FAMILIAL; Hereditary breast cancer; hereditary breast carcinoma. Identifiers: Orphanet 227535, MedGen C0346153, MONDO:0016419, OMIM 114480. Disease mechanism: loss of function.

gnomAD v4.1: 3 of 1,614,174 alleles (0.00019%); highest among the groups gnomAD compares: East Asian, 0.0067%; no homozygotes.

Submissions (4):

Labcorp Genetics (formerly Invitae), Labcorp
Classification: Uncertain significance for Familial cancer of breast; Fanconi anemia complementation group J. Last evaluated: 2025-05-14. Review status: criteria provided, single submitter. Criteria: Invitae Variant Classification Sherloc (09022015). Collection method: clinical testing. Allele origin: germline.
Comment: This sequence change replaces glutamic acid, which is acidic and polar, with alanine, which is neutral and non-polar, at codon 675 of the BRIP1 protein (p.Glu675Ala). This variant is not present in population databases (gnomAD no frequency). This missense change has been observed in individual(s) with prostate cancer and in unaffected controls (PMID: 31214711). ClinVar contains an entry for this variant (Variation ID: 481653). Invitae Evidence Modeling of protein sequence and biophysical properties (such as structural, functional, and spatial information, amino acid conservation, physicochemical variation, residue mobility, and thermodynamic stability) indicates that this missense variant is not expected to disrupt BRIP1 protein function with a negative predictive value of 95%. In summary, the available evidence is currently insufficient to determine the role of this variant in disease. Therefore, it has been classified as a Variant of Uncertain Significance.

GeneDx
Classification: Uncertain significance. Last evaluated: 2025-04-15. Review status: criteria provided, single submitter. Criteria: GeneDx Variant Classification Process June 2021. Collection method: clinical testing. Allele origin: germline. Affected: yes.
Comment: Not observed at significant frequency in large population cohorts (gnomAD); In silico analysis supports that this missense variant has a deleterious effect on protein structure/function; This variant is associated with the following publications: (PMID: 31214711, 36243179)

Ambry Genetics
Classification: Uncertain significance for Hereditary cancer-predisposing syndrome. Last evaluated: 2022-06-14. Review status: criteria provided, single submitter. Criteria: Ambry Variant Classification Scheme 2023. Collection method: clinical testing. Allele origin: germline.
Comment: The p.E675A variant (also known as c.2024A>C), located in coding exon 13 of the BRIP1 gene, results from an A to C substitution at nucleotide position 2024. The glutamic acid at codon 675 is replaced by alanine, an amino acid with dissimilar properties. This amino acid position is highly conserved in available vertebrate species. In addition, this alteration is predicted to be deleterious by in silico analysis. Since supporting evidence is limited at this time, the clinical significance of this alteration remains unclear.

Leiden Open Variation Database
Classification: Uncertain significance. Last evaluated: 2019-08-13. Review status: no assertion criteria provided. Collection method: curation. Allele origin: germline. Affected: yes. Not counted in ClinVar's aggregate classification.
Comment: Curator: Arleen D. Auerbach. Submitter to LOVD: Yukihide Momozawa.

Literature cited by the submitters: PubMed 31214711 (cited by Labcorp Genetics (formerly Invitae), Labcorp and Leiden Open Variation Database).